The following is an entry in ClinVar:

NM_032737.4(LMNB2):c.1234G>A (p.Val412Ile)

Gene: LMNB2 (lamin B2; minus strand). Cytogenetic location: 19p13.3.
Variant type: single nucleotide variant.
Coding change: c.1234G>A on transcript NM_032737.4 (MANE Select); coding-DNA position 1234, G replaced by A.
Protein change: p.Val412Ile; replaces valine 412 with isoleucine.
Molecular consequence: missense variant.
Genome position (GRCh38, 1-based): chr19:2,434,074, C>T on the plus strand (G>A on the coding strand, the complement: LMNB2 is on the minus strand). VCF-style: chr19-2434074-C-T. GRCh37 (hg19) VCF-style: chr19-2434072-C-T.
Other names: short protein forms V412I.
Identifiers: ClinVar variation 995139 (VCV000995139.9), dbSNP rs577848864, ClinGen allele CA9067562.

ClinVar aggregate classification (germline): Uncertain significance. Review status: criteria provided, multiple submitters, no conflicts (2 of 4 stars). 2 submissions from 2 submitters: Uncertain significance (2). Last evaluated 2025-01-15.

Conditions:
Lipodystrophy, partial, acquired, susceptibility to (APLD). Also called: APLD, SUSCEPTIBILITY TO. Identifiers: MedGen C3887501, MONDO:0100476, OMIM 608709.
Progressive myoclonic epilepsy type 9. Identifiers: Orphanet 457265, MedGen C4225289, MONDO:0014685, OMIM 616540.

Allele frequency attached by ClinVar (database versions not stated): gnomAD 0.00005 and 0.00007; TOPMed 0.00005; gnomAD exomes 0.00009; 1000 Genomes Project 30x 0.00016; ExAC 0.00019; 1000 Genomes Project 0.00020.
gnomAD v4.1: 132 of 1,594,956 alleles (0.0083%); highest among the groups gnomAD compares: South Asian, 0.049%; no homozygotes.

Submissions (2):

Labcorp Genetics (formerly Invitae), Labcorp
Classification: Uncertain significance for Progressive myoclonic epilepsy type 9; Lipodystrophy, partial, acquired, susceptibility to. Last evaluated: 2025-01-15. Review status: criteria provided, single submitter. Criteria: Invitae Variant Classification Sherloc (09022015). Collection method: clinical testing. Allele origin: germline.
Comment: This sequence change replaces valine, which is neutral and non-polar, with isoleucine, which is neutral and non-polar, at codon 412 of the LMNB2 protein (p.Val412Ile). This variant is present in population databases (rs577848864, gnomAD 0.05%). This variant has not been reported in the literature in individuals affected with LMNB2-related conditions. ClinVar contains an entry for this variant (Variation ID: 995139). Invitae Evidence Modeling of protein sequence and biophysical properties (such as structural, functional, and spatial information, amino acid conservation, physicochemical variation, residue mobility, and thermodynamic stability) indicates that this missense variant is not expected to disrupt LMNB2 protein function with a negative predictive value of 80%. In summary, the available evidence is currently insufficient to determine the role of this variant in disease. Therefore, it has been classified as a Variant of Uncertain Significance.

Athena Diagnostics
Classification: Uncertain significance. Last evaluated: 2020-08-12. Review status: criteria provided, single submitter. Criteria: Athena Diagnostics Criteria. Collection method: clinical testing. Allele origin: unknown.

Literature cited by the submitters: PubMed 16826530 (cited by Athena Diagnostics); PubMed 22768673 (cited by Athena Diagnostics); PubMed 25954030 (cited by Athena Diagnostics).